The following is an entry in ClinVar:

ClinVar aggregate classification (germline): Uncertain significance (1 of 4 stars; one submission).

Submission:

GeneDx
Classification: Uncertain significance. Last evaluated: 2023-08-02. Review status: criteria provided, single submitter. Criteria: GeneDx Variant Classification Process June 2021. Collection method: clinical testing. Allele origin: germline. Affected: yes.
Comment: Not observed at significant frequency in large population cohorts (gnomAD); In silico analysis supports a deleterious effect on protein structure/function; In-frame deletion of one amino acids in a repetitive region with no known function; Has not been previously published as pathogenic or benign to our knowledge

NM_000489.6(ATRX):c.5797_5799del (p.Lys1933del)

Gene: ATRX (ATRX chromatin remodeler; minus strand). Cytogenetic location: Xq21.1.
Variant type: Deletion.
Coding change: c.5797_5799del on transcript NM_000489.6 (MANE Select); coding-DNA positions 5797 to 5799, 3 bases deleted (AAA; older notation c.5797_5799delAAA).
Protein change: p.Lys1933del; deletes lysine 1933.
Genome position (GRCh38, 1-based): chrX:77,599,568-77,599,570, TTT deleted on the plus strand (AAA on the coding strand, the reverse complement: ATRX is on the minus strand); deleting any 3 consecutive bases within chrX:77,599,568-77,599,573 gives the same sequence; the c. name uses the placement nearest the transcript's 3' end. VCF-style (leftmost placement, unchanged base first): chrX-77599567-CTTT-C. GRCh37 (hg19) VCF-style: chrX-76855036-CTTT-C.
Other names: c.5683_5685del, p.Lys1895del (NM_138270.5); short protein forms K1895del, K1933del.
Identifiers: ClinVar variation 3361784 (VCV003361784.1).